The following is an entry in ClinVar:

NM_001004334.4(GPR179):c.166del (p.Ala56fs)

Gene: GPR179 (G protein-coupled receptor 179; minus strand). Cytogenetic location: 17q12.
Variant type: Deletion.
Coding change: c.166del on transcript NM_001004334.4 (MANE Select); coding-DNA position 166, one base deleted (G; older notation c.166delG).
Protein change: p.Ala56fs; shifts the reading frame from alanine 56.
Molecular consequence: frameshift variant.
Genome position (GRCh38, 1-based): chr17:38,343,624, C deleted on the plus strand (G on the coding strand, the reverse complement: GPR179 is on the minus strand); the first of 5 consecutive C bases (chr17:38,343,624-38,343,628); deleting any one gives the same sequence. VCF-style (leftmost placement, unchanged base first): chr17-38343623-GC-G. GRCh37 (hg19) VCF-style: chr17-36499506-GC-G.
Other names: short protein forms A56fs.
Identifiers: ClinVar variation 2113803 (VCV002113803.4), dbSNP rs2037471500, ClinGen allele CA2580093632.

ClinVar aggregate classification (germline): Pathogenic (1 of 4 stars; one submission).

Submission:

Labcorp Genetics (formerly Invitae), Labcorp
Classification: Pathogenic. Last evaluated: 2022-03-18. Review status: criteria provided, single submitter. Criteria: Invitae Variant Classification Sherloc (09022015). Collection method: clinical testing. Allele origin: germline.
Comment: This variant has not been reported in the literature in individuals affected with GPR179-related conditions. For these reasons, this variant has been classified as Pathogenic. This variant is not present in population databases (gnomAD no frequency). This sequence change creates a premature translational stop signal (p.Ala56Profs*19) in the GPR179 gene. It is expected to result in an absent or disrupted protein product. Loss-of-function variants in GPR179 are known to be pathogenic (PMID: 22325361, 22325362).

Literature cited by the submitters: PubMed 22325361; PubMed 22325362.